The following is an entry in ClinVar:

ClinVar aggregate classification (germline): Uncertain significance (1 of 4 stars; one submission).

Conditions:
Congenital bile acid synthesis defect 2 (CBAS2). Also called: CHOLESTASIS WITH DELTA(4)-3-OXOSTEROID 5-BETA-REDUCTASE DEFICIENCY. Identifiers: Orphanet 79303, MedGen C1856127, MONDO:0009339, OMIM 235555.

Submission:

Neuberg Centre For Genomic Medicine, NCGM
Classification: Uncertain significance for Congenital bile acid synthesis defect 2. Review status: criteria provided, single submitter. Criteria: ACMG Guidelines, 2015. Collection method: clinical testing. Allele origin: germline. Inheritance: Autosomal recessive inheritance. Affected: yes.
Comment: The missense variant c.949C>T (p.His317Tyr) in AKR1D1 gene has not been reported previously as a pathogenic variant nor as a benign variant, to our knowledge. The p.His317Tyr variant is novel (not in any individuals) in gnomAD Exomes and 1000 Genomes. The amino acid His at position 317 is changed to a Tyr changing protein sequence and it might alter its composition and physico-chemical properties. The amino acid change p.His317Tyr in AKR1D1 is predicted as conserved by GERP++ and PhyloP across 100 vertebrates. For these reasons, this variant has been classified as Uncertain Significance.

NM_005989.4(AKR1D1):c.949C>T (p.His317Tyr)

Gene: AKR1D1 (aldo-keto reductase family 1 member D1; plus strand). Cytogenetic location: 7q33.
Variant type: single nucleotide variant.
Coding change: c.949C>T on transcript NM_005989.4 (MANE Select); coding-DNA position 949, C replaced by T.
Protein change: p.His317Tyr; replaces histidine 317 with tyrosine.
Molecular consequence: missense variant.
Genome position (GRCh38, 1-based): chr7:138,116,630, C>T. VCF-style: chr7-138116630-C-T. GRCh37 (hg19) VCF-style: chr7-137801376-C-T.
Other names: c.826C>T, p.His276Tyr (NM_001190906.2); c.866C>T, p.Ser289Leu (NM_001190907.2); short protein forms S289L, H276Y, H317Y.
Identifiers: ClinVar variation 2585007 (VCV002585007.1), dbSNP rs2536108967, ClinGen allele CA369364456.